The following is an entry in ClinVar:

NM_004301.5(ACTL6A):c.758A>G (p.Tyr253Cys)

Gene: ACTL6A (actin like 6A; plus strand). Cytogenetic location: 3q26.33.
Variant type: single nucleotide variant.
Coding change: c.758A>G on transcript NM_004301.5 (MANE Select); coding-DNA position 758, A replaced by G.
Protein change: p.Tyr253Cys; replaces tyrosine 253 with cysteine.
Molecular consequence: missense variant.
Genome position (GRCh38, 1-based): chr3:179,576,903, A>G. VCF-style: chr3-179576903-A-G. GRCh37 (hg19) VCF-style: chr3-179294691-A-G.
Other names: c.632A>G, p.Tyr211Cys (NM_177989.4, NM_178042.4); short protein forms Y211C, Y253C.
Identifiers: ClinVar variation 2500416 (VCV002500416.1), dbSNP rs1469906613, ClinGen allele CA355271672.

ClinVar aggregate classification (germline): Uncertain significance (1 of 4 stars; one submission).

Submission:

GeneDx
Classification: Uncertain significance. Last evaluated: 2022-10-25. Review status: criteria provided, single submitter. Criteria: GeneDx Variant Classification Process June 2021. Collection method: clinical testing. Allele origin: germline. Affected: yes.
Comment: Not observed at significant frequency in large population cohorts (gnomAD); In silico analysis supports that this missense variant has a deleterious effect on protein structure/function; Has not been previously published as pathogenic or benign to our knowledge